The following is an entry in ClinVar:

NM_001164508.2(NEB):c.20978_20985delinsG (p.Val6993fs)

Gene: NEB (nebulin; minus strand). Cytogenetic location: 2q23.3.
Variant type: Indel.
Coding change: c.20978_20985delinsG on transcript NM_001164508.2 (MANE Select); coding-DNA positions 20978 to 20985, TCACAGAT replaced by G.
Protein change: p.Val6993fs; shifts the reading frame from valine 6993.
Molecular consequence: frameshift variant.
Genome position (GRCh38, 1-based): chr2:151,538,152-151,538,159, ATCTGTGA replaced by C on the plus strand (TCACAGAT replaced by G on the coding strand, the reverse complement: NEB is on the minus strand). VCF-style: chr2-151538152-ATCTGTGA-C. GRCh37 (hg19) VCF-style: chr2-152394666-ATCTGTGA-C.
Other names: c.20978_20985delinsG, p.Val6993fs (NM_001164507.2, NM_001271208.2); c.15875_15882delinsG, p.Val5292fs (NM_004543.5); short protein forms V5292fs, V6993fs.
Identifiers: ClinVar variation 1724145 (VCV001724145.2), dbSNP rs2552151112, ClinGen allele CA2580063927.

ClinVar aggregate classification (germline): Likely pathogenic (1 of 4 stars; one submission).

Conditions:
Nemaline myopathy 2 (NEM2). Also called: Nemaline myopathy 2, autosomal recessive. Identifiers: MedGen C1850569, MONDO:0009725, OMIM 256030.

Submission:

Myriad Genetics, Inc.
Classification: Likely pathogenic for Nemaline myopathy 2. Last evaluated: 2022-01-27. Review status: criteria provided, single submitter. Criteria: Myriad Women's Health Autosomal Recessive and X-Linked Classification Criteria (2021). Collection method: clinical testing. Allele origin: unknown.
Comment: NM_001271208.1(NEB):c.20978_20985del8ins1(V6993Gfs*6) is expected to be pathogenic in the context of NEB-related nemaline myopathy. This variant is predicted to lead to an abnormal or absent protein product due to the creation of a premature termination codon in NEB, a gene where loss-of-function variants are known to be pathogenic. Please note: this variant was assessed in the context of healthy population screening.